The following is an entry in ClinVar:

ClinVar aggregate classification (germline): Pathogenic (1 of 4 stars; one submission).

Conditions:
Cone monochromatism (BCM). Also called: Blue cone monochromacy; Incomplete achromatopsia; Color blindness blue mono cone monochromatic type; X-chromosome-linked achromatopsia. Identifiers: Orphanet 16, MedGen C0339537, MONDO:0010563, OMIM 303700, HP:0007939. Disease mechanism: loss of function.

Submission:

Laboratory of Medical Genetics, National & Kapodistrian University of Athens
Classification: Pathogenic for Cone monochromatism. Last evaluated: 2021-10-05. Review status: criteria provided, single submitter. Criteria: ACMG Guidelines, 2015. Collection method: clinical testing. Allele origin: unknown. Affected: yes.
Comment: PVS1, PM2, PP3

NM_020061.6(OPN1LW):c.269G>A (p.Trp90Ter)

Gene: OPN1LW (opsin 1, long wave sensitive; plus strand). Cytogenetic location: Xq28.
Variant type: single nucleotide variant.
Coding change: c.269G>A on transcript NM_020061.6 (MANE Select); coding-DNA position 269, G replaced by A.
Protein change: p.Trp90Ter; replaces tryptophan 90 with a stop codon.
Molecular consequence: nonsense.
Genome position (GRCh38, 1-based): chrX:154,150,812, G>A. VCF-style: chrX-154150812-G-A. GRCh37 (hg19) VCF-style: chrX-153416284-G-A.
Other names: short protein forms W90*.
Identifiers: ClinVar variation 1299568 (VCV001299568.1), dbSNP rs2067071714, ClinGen allele CA415301109.